The following is an entry in ClinVar:

NM_001134363.3(RBM20):c.3452-9=

Gene: RBM20 (RNA binding motif protein 20; plus strand). Cytogenetic location: 10q25.2.
Variant type: single nucleotide variant.
Coding change: c.3452-9= on transcript NM_001134363.3 (MANE Select); 9 bases into the intron before coding-DNA position 3452, no change from the reference sequence.
Molecular consequence: intron variant.
Genome position: GRCh38 VCF-style: chr10-110831052-C-C. GRCh37 (hg19) VCF-style: chr10-112590810-G-C.
Identifiers: ClinVar variation 44012 (VCV000044012.22), dbSNP rs7070640.

ClinVar aggregate classification (germline): Benign. Review status: criteria provided, multiple submitters, no conflicts (2 of 4 stars). 10 submissions from 10 submitters: Benign (7). 3 of the submissions do not count toward it. Last evaluated 2026-02-04.

Conditions:
Dilated cardiomyopathy 1DD (CMD1DD). Identifiers: Orphanet 154, MedGen C2750995, MONDO:0013168, OMIM 613172.

Allele frequency attached by ClinVar (database versions not stated): TOPMed 0.96801; 1000 Genomes Project 30x 0.96830; gnomAD 0.96872 and 0.97106; gnomAD exomes 0.99724.

Submissions (10):

Labcorp Genetics (formerly Invitae), Labcorp
Classification: Benign for Dilated cardiomyopathy 1DD. Last evaluated: 2026-02-04. Review status: criteria provided, single submitter. Criteria: Invitae Variant Classification Sherloc (09022015). Collection method: clinical testing. Allele origin: germline.

Blueprint Genetics
Classification: Benign. Last evaluated: 2024-11-27. Review status: criteria provided, single submitter. Criteria: ACMG Guidelines, 2015. Collection method: clinical testing. Allele origin: germline.

Illumina Laboratory Services, Illumina
Classification: Benign for Dilated cardiomyopathy 1DD. Last evaluated: 2018-01-12. Review status: criteria provided, single submitter. Criteria: ICSL Variant Classification Criteria 13 December 2019. Collection method: clinical testing. Allele origin: germline.
Comment: This variant was observed in the ICSL laboratory as part of a predisposition screen in an ostensibly healthy population. It had not been previously curated by ICSL or reported in the Human Gene Mutation Database (HGMD: prior to June 1st, 2018), and was therefore a candidate for classification through an automated scoring system. Utilizing variant allele frequency, disease prevalence and penetrance estimates, and inheritance mode, an automated score was calculated to assess if this variant is too frequent to cause the disease. Based on the score and internal cut-off values, a variant classified as benign is not then subjected to further curation. The score for this variant resulted in a classification of benign for this disease.

GeneDx
Classification: Benign. Last evaluated: 2012-11-01. Review status: criteria provided, single submitter. Criteria: GeneDx Variant Classification (06012015). Collection method: clinical testing. Allele origin: germline. Affected: yes.
Comment: This variant is considered likely benign or benign based on one or more of the following criteria: it is a conservative change, it occurs at a poorly conserved position in the protein, it is predicted to be benign by multiple in silico algorithms, and/or has population frequency not consistent with disease.

Laboratory for Molecular Medicine, Mass General Brigham Personalized Medicine
Classification: Benign. Last evaluated: 2011-09-16. Review status: criteria provided, single submitter. Criteria: LMM Criteria. Collection method: clinical testing. Allele origin: germline. Observed: 1,907 variant alleles.

Breakthrough Genomics
Classification: Benign. Review status: criteria provided, single submitter. Criteria: ACMG Guidelines, 2015. Collection method: not provided. Allele origin: germline. Inheritance: Autosomal dominant inheritance. Affected: yes.

PreventionGenetics, part of Exact Sciences
Classification: Benign. Review status: criteria provided, single submitter. Criteria: ACMG Guidelines, 2015. Collection method: clinical testing. Allele origin: germline.

Clinical Genetics DNA and cytogenetics Diagnostics Lab, Erasmus MC, Erasmus Medical Center
Classification: Benign. Review status: no assertion criteria provided. Collection method: clinical testing. Allele origin: germline. Affected: yes. Study: VKGL Data-share Consensus. Not counted in ClinVar's aggregate classification.

Clinical Genetics, Academic Medical Center
Classification: Benign. Review status: no assertion criteria provided. Collection method: clinical testing. Allele origin: germline. Affected: yes. Study: VKGL Data-share Consensus. Not counted in ClinVar's aggregate classification.

Diagnostic Laboratory, Department of Genetics, University Medical Center Groningen
Classification: Benign for Dilated cardiomyopathy 1DD. Review status: no assertion criteria provided. Collection method: clinical testing. Allele origin: germline. Affected: yes. Study: VKGL Data-share Consensus. Not counted in ClinVar's aggregate classification.